The following is an entry in ClinVar:

NM_015040.4(PIKFYVE):c.6221C>G (p.Thr2074Ser)

Gene: PIKFYVE (phosphoinositide kinase, FYVE-type zinc finger containing; plus strand). Cytogenetic location: 2q34.
Variant type: single nucleotide variant.
Coding change: c.6221C>G on transcript NM_015040.4 (MANE Select); coding-DNA position 6221, C replaced by G.
Protein change: p.Thr2074Ser; replaces threonine 2074 with serine.
Molecular consequence: missense variant.
Genome position (GRCh38, 1-based): chr2:208,355,229, C>G. VCF-style: chr2-208355229-C-G. GRCh37 (hg19) VCF-style: chr2-209219953-C-G.
Other names: short protein forms T2074S.
Identifiers: ClinVar variation 4991683 (VCV004991683.1).

ClinVar aggregate classification (germline): Uncertain significance (1 of 4 stars; one submission).

Conditions:
PIKFYVE-related disorder. Also called: PIKFYVE-related condition.

Submission:

PreventionGenetics, part of Exact Sciences
Classification: Uncertain significance for PIKFYVE-related condition. Last evaluated: 2026-07-19. Review status: criteria provided, single submitter. Criteria: ACMG Guidelines, 2015. Collection method: clinical testing. Allele origin: germline.
Comment: The PIKFYVE c.6221C>G variant is predicted to result in the amino acid substitution p.Thr2074Ser. To our knowledge, this variant has not been reported in the literature or in a large population database (gnomAD), indicating this variant is rare. At this time, the clinical significance of this variant is uncertain due to the absence of conclusive functional and genetic evidence.